The following is an entry in ClinVar:

NM_000059.4(BRCA2):c.3922G>T (p.Glu1308Ter)

Gene: BRCA2 (BRCA2 DNA repair associated; plus strand). Cytogenetic location: 13q13.1.
Variant type: single nucleotide variant.
Coding change: c.3922G>T on transcript NM_000059.4 (MANE Select); coding-DNA position 3922, G replaced by T.
Protein change: p.Glu1308Ter; replaces glutamic acid 1308 with a stop codon.
Molecular consequence: nonsense.
Genome position (GRCh38, 1-based): chr13:32,338,277, G>T. VCF-style: chr13-32338277-G-T. GRCh37 (hg19) VCF-style: chr13-32912414-G-T.
Other names: p.E1308*:GAA>TAA; 4150G>T; short protein forms E1308*.
Identifiers: ClinVar variation 37867 (VCV000037867.48), dbSNP rs80358638, ClinGen allele CA019195.
Genomic context (GRCh38, chr13:32,338,277, plus strand): 5'-AATAAATGCCAACTGATATTACAAAATAATATTGAAATGACTACTGGCACTTTTGTTGAA[G>T]AAATTACTGAAAATTACAAGAGAAATACTGAAAATGAAGATAACAAATATACTGCTGCCA-3'

ClinVar aggregate classification (germline): Pathogenic. Review status: reviewed by expert panel (3 of 4 stars). 23 submissions from 23 submitters: Pathogenic (1). 22 of the submissions do not count toward it. Last evaluated 2016-09-08.

Conditions:
Pancreatic cancer, susceptibility to, 2. Identifiers: Orphanet 1333, MedGen C3150546, MONDO:0013235, OMIM 613347.
Glioma susceptibility 3 (GLM3). Also called: Glioblastoma 3. Identifiers: Orphanet 182067, Orphanet 360, MedGen C2751641, MONDO:0013093, OMIM 613029.
Familial prostate cancer. Also called: Hereditary Prostate Cancer. Identifiers: MedGen C2931456, MONDO:0700275, OMIM 176807.
Breast-ovarian cancer, familial, susceptibility to, 2 (BROVCA2). Also called: BRCA2 Hereditary Breast and Ovarian Cancer. Identifiers: Orphanet 145, MedGen C2675520, MONDO:0012933, OMIM 612555. Disease mechanism: loss of function.
Fanconi anemia complementation group D1. Also called: BRCA2-Related Fanconi Anemia. Identifiers: Orphanet 319462, MedGen C1838457, MONDO:0011584, OMIM 605724.
Medulloblastoma (MDB). Also called: Medulloblastoma, somatic; MEDULLOBLASTOMA PREDISPOSITION SYNDROME. Identifiers: Orphanet 616, MedGen C0025149, MeSH D008527, MONDO:0007959, OMIM 155255, HP:0002885.
Wilms tumor 1 (WT1). Also called: Wilms tumor, somatic. Identifiers: Orphanet 654, MedGen CN033288, MONDO:0008679, OMIM 194070.
Familial cancer of breast. Also called: BREAST CANCER, FAMILIAL; hereditary breast carcinoma; Hereditary breast cancer. Identifiers: Orphanet 227535, MedGen C0346153, MONDO:0016419, OMIM 114480. Disease mechanism: loss of function.
BRCA2-related cancer predisposition. Identifiers: MedGen CN377758, MONDO:0700269.
BRCA2-related disorder. Also called: BRCA2-related condition; BRCA2-related disorders. Identifiers: MedGen CN239275.
Hereditary cancer-predisposing syndrome. Also called: Neoplastic Syndromes, Hereditary; Tumor predisposition; Hereditary Cancer Syndrome; Hereditary neoplastic syndrome. Identifiers: Orphanet 140162, MedGen C0027672, MeSH D009386, MONDO:0015356.
Hereditary breast ovarian cancer syndrome. Also called: Breast and ovarian cancer; Hereditary breast and ovarian cancer; Hereditary breast and ovarian cancer syndrome (HBOC); Hereditary breast and ovarian cancer syndrome; BRCA1- and BRCA2-Associated Hereditary Breast and Ovarian Cancer; Hereditary breast and/or ovarian cancer syndrome. Identifiers: Orphanet 145, MedGen C0677776, MeSH D061325, MONDO:0003582. Disease mechanism: loss of function.

Allele frequency attached by ClinVar (database versions not stated): gnomAD 0.00005 and 0.00006; TOPMed 0.00009.
gnomAD v4.1: 11 of 1,566,908 alleles (0.0007%); highest among the groups gnomAD compares: Admixed American, 0.018%; no homozygotes.

Submissions 1 to 7 of 23:

Evidence-based Network for the Interpretation of Germline Mutant Alleles (ENIGMA)
Classification: Pathogenic for Breast-ovarian cancer, familial, susceptibility to, 2. Last evaluated: 2016-09-08. Review status: reviewed by expert panel. Criteria: ENIGMA BRCA1/2 Classification Criteria (2015). Collection method: curation. Allele origin: germline.
Comment: Variant allele predicted to encode a truncated non-functional protein.

PreventionGenetics, part of Exact Sciences
Classification: Pathogenic for BRCA2-related condition. Last evaluated: 2026-08-25. Review status: criteria provided, single submitter. Criteria: ACMG Guidelines, 2015. Collection method: clinical testing. Allele origin: germline. Not counted in ClinVar's aggregate classification.
Comment: The BRCA2 c.3922G>T variant is predicted to result in premature protein termination (p.Glu1308*). This variant has been reported in multiple individuals with hereditary breast and ovarian cancer (de Juan et al. 2015. PubMed ID: 26026974; Duran et al. 2003. PubMed ID: 12655567; de Juan et al. 2013. PubMed ID: 23479189; Dutil et al. 2012. PubMed ID: 22682623; Supplementary Table 7, Wen et al. 2017. PubMed ID: 28993434) and was also reported in a patient with Fanconi anemia who was compound heterozygous for p.Glu1308* and p.Gln3066* (Offit et al. 2003. PubMed ID: 14559878). This variant is reported in one individual (0.12% of alleles) of Latino descent in gnomAD. In ClinVar, this variant has been interpreted as pathogenic by multiple submitters (Variation ID: 37867). Nonsense variants in BRCA2 are expected to be pathogenic. This variant is interpreted as pathogenic.

Labcorp Genetics (formerly Invitae), Labcorp
Classification: Pathogenic for Hereditary breast ovarian cancer syndrome. Last evaluated: 2026-01-31. Review status: criteria provided, single submitter. Criteria: Invitae Variant Classification Sherloc (09022015). Collection method: clinical testing. Allele origin: germline. Not counted in ClinVar's aggregate classification.
Comment: This sequence change creates a premature translational stop signal (p.Glu1308*) in the BRCA2 gene. It is expected to result in an absent or disrupted protein product. Loss-of-function variants in BRCA2 are known to be pathogenic (PMID: 20104584). This variant is present in population databases (rs80358638, gnomAD 0.1%). This premature translational stop signal has been observed in individual(s) with breast and/or ovarian cancer (PMID: 12655567, 12955716, 14559878, 20033483, 22682623, 23479189, 27433846, 28008555). This variant is also known as 4150G>T. ClinVar contains an entry for this variant (Variation ID: 37867). For these reasons, this variant has been classified as Pathogenic.

All of Us Research Program, National Institutes of Health
Classification: Pathogenic for BRCA2-related cancer predisposition. Last evaluated: 2024-09-23. Review status: criteria provided, single submitter. Criteria: ACMG Guidelines, 2015. Collection method: clinical testing. Allele origin: germline. Inheritance: Autosomal dominant inheritance. Observed: 11 variant alleles, 11 heterozygotes. Not counted in ClinVar's aggregate classification.
Comment: This variant changes 1 nucleotide in exon 11 of the BRCA2 gene, creating a premature translation stop signal. This variant is expected to result in an absent or non-functional protein product. To our knowledge, functional studies have not been reported for this variant. This variant has been reported in over 20 individuals and families affected with breast and ovarian cancer (PMID: 12655567, 12955716, 19241424, 20033483, 21508395, 22682623, 23479189, 26026974, 26543556, 28008555, 28724667, 28993434, 33471991), including an individual affected with bilateral breast cancer and pancreatic cancer (PMID: 21508395). This variant also has been reported in one individual each affected with prostate and pancreatic cancer (PMID: 24737347, 27433846). This variant has been reported in trans with a second pathogenic BRCA2 mutation (p.Gln3066*) in an individual affected with the recessive disease Fanconi anemia (PMID: 14559878). This variant has been identified in 1/31390 chromosomes in the general population by the Genome Aggregation Database (gnomAD). Loss of BRCA2 function is a known mechanism of disease. Based on the available evidence, this variant is classified as Pathogenic.

This study involves interpretation of variants in research participants for the purpose of population health screening. Participant phenotype was not available at the time of variant classification. Additional details can be found in publication PMID: 35346344, PMCID: PMC8962531

Ambry Genetics
Classification: Pathogenic for Hereditary cancer-predisposing syndrome. Last evaluated: 2024-09-13. Review status: criteria provided, single submitter. Criteria: Ambry Variant Classification Scheme 2023. Collection method: clinical testing. Allele origin: germline. Not counted in ClinVar's aggregate classification.
Comment: The p.E1308* pathogenic mutation (also known as c.3922G>T), located in coding exon 10 of the BRCA2 gene, results from a G to T substitution at nucleotide position 3922. This changes the amino acid from a glutamic acid to a stop codon within coding exon 10. This mutation has been reported in several individuals with personal and/or family histories of breast, ovarian, and/or prostate cancer (Duran M et al. Hum. Mutat. 2003 Apr;21:448; Hall MJ et al. Cancer. 2009 May;115:2222-33; Pritchard CC et al. N. Engl. J. Med. 2016 Aug;375:443-53; Gabald&oacute; Barrios X et al. Fam. Cancer. 2017 Oct;16:477-489; Wen WX et al. J. Med. Genet. 2018 Feb;55:97-103). Of note, this alteration is also designated as 4150G>T in published literature. In addition to the clinical data presented in the literature, this alteration is expected to result in loss of function by premature protein truncation or nonsense-mediated mRNA decay. As such, this alteration is classified as a disease-causing mutation. However, because this variant is identified in one or more patients with Fanconi Anemia it may be hypomorphic and thus, carriers of this variant and their families may present with reduced risks, and not with the typical clinical characteristics of a high-risk pathogenic BRCA2 alteration. As risk estimates are unknown at this time, clinical correlation is advised.

Fulgent Genetics
Classification: Pathogenic for Familial cancer of breast; Medulloblastoma; Familial prostate cancer; Wilms tumor 1; Fanconi anemia complementation group D1; Breast-ovarian cancer, familial, susceptibility to, 2; Glioma susceptibility 3; Pancreatic cancer, susceptibility to, 2. Last evaluated: 2024-05-17. Review status: criteria provided, single submitter. Criteria: ACMG Guidelines, 2015. Collection method: clinical testing. Allele origin: germline. Not counted in ClinVar's aggregate classification.

Baylor Genetics
Classification: Pathogenic for Familial cancer of breast. Last evaluated: 2024-03-19. Review status: criteria provided, single submitter. Criteria: ACMG Guidelines, 2015. Collection method: clinical testing. Allele origin: unknown. Not counted in ClinVar's aggregate classification.